The following is an entry in ClinVar:

ClinVar aggregate classification (germline): Uncertain significance (1 of 4 stars; one submission).

Submission:

Labcorp Genetics (formerly Invitae), Labcorp
Classification: Uncertain significance. Last evaluated: 2024-02-24. Review status: criteria provided, single submitter. Criteria: Invitae Variant Classification Sherloc (09022015). Collection method: clinical testing. Allele origin: germline.
Comment: This sequence change replaces threonine, which is neutral and polar, with isoleucine, which is neutral and non-polar, at codon 402 of the DTHD1 protein (p.Thr402Ile). This variant is not present in population databases (gnomAD no frequency). This variant has not been reported in the literature in individuals affected with DTHD1-related conditions. ClinVar contains an entry for this variant (Variation ID: 855502). An algorithm developed to predict the effect of missense changes on protein structure and function (PolyPhen-2) suggests that this variant is likely to be disruptive. In summary, the available evidence is currently insufficient to determine the role of this variant in disease. Therefore, it has been classified as a Variant of Uncertain Significance.

NM_001170700.3(DTHD1):c.2075C>T (p.Thr692Ile)

Gene: DTHD1 (death domain containing 1; plus strand). Cytogenetic location: 4p14.
Variant type: single nucleotide variant.
Coding change: c.2075C>T on transcript NM_001170700.3 (MANE Select); coding-DNA position 2075, C replaced by T.
Protein change: p.Thr692Ile; replaces threonine 692 with isoleucine.
Molecular consequence: missense variant. On other transcripts: non-coding transcript variant (2).
Genome position (GRCh38, 1-based): chr4:36,308,473, C>T. VCF-style: chr4-36308473-C-T. GRCh37 (hg19) VCF-style: chr4-36310095-C-T.
Other names: c.1205C>T, p.Thr402Ile (NM_001136536.5); c.1142C>T, p.Thr381Ile (NM_001378435.1); short protein forms T381I, T402I, T692I.
Identifiers: ClinVar variation 855502 (VCV000855502.9), dbSNP rs1757192054, ClinGen allele CA356681240.